The following is an entry in ClinVar:

NM_015466.4(PTPN23):c.3219G>A (p.Ser1073=)

Gene: PTPN23 (protein tyrosine phosphatase non-receptor type 23; plus strand). Cytogenetic location: 3p21.31.
Variant type: single nucleotide variant.
Coding change: c.3219G>A on transcript NM_015466.4 (MANE Select); coding-DNA position 3219, G replaced by A.
Protein change: p.Ser1073=; no amino-acid change (serine 1073 retained).
Molecular consequence: synonymous variant.
Genome position (GRCh38, 1-based): chr3:47,411,017, G>A. VCF-style: chr3-47411017-G-A. GRCh37 (hg19) VCF-style: chr3-47452507-G-A.
Other names: c.2841G>A, p.Ser947= (NM_001304482.2).
Identifiers: ClinVar variation 1595831 (VCV001595831.15), dbSNP rs755470251, ClinGen allele CA2366226.
Genomic context (GRCh38, chr3:47,411,017, plus strand): 5'-TGCCCCTTCTACCAGACCCATGGGCCCCCAGGCAGCCCCTCTTACCATTCGAGGGCCCTC[G>A]TCTGCTGGCCAGTCCACCCCTAGTCCCCACCTGGTGCCTTCACCTGCCCCATCTCCAGGG-3'
Protein context (NP_056281.1, residues 1063-1083): QAAPLTIRGP[Ser1073=]SAGQSTPSPH

ClinVar aggregate classification (germline): Likely benign. Review status: criteria provided, multiple submitters, no conflicts (2 of 4 stars). 2 submissions from 2 submitters: Likely benign (2). Last evaluated 2025-12-01.

Allele frequency attached by ClinVar (database versions not stated): gnomAD 0.00001 and 0.00002; TOPMed 0.00001; ExAC 0.00006; gnomAD exomes 0.00006 and 0.00008.
gnomAD v4.1: 95 of 1,593,928 alleles (0.006%); highest among the groups gnomAD compares: Middle Eastern, 0.1%; 1 homozygote.

Submissions (2):

Labcorp Genetics (formerly Invitae), Labcorp
Classification: Likely benign. Last evaluated: 2025-12-01. Review status: criteria provided, single submitter. Criteria: Invitae Variant Classification Sherloc (09022015). Collection method: clinical testing. Allele origin: germline.

CeGaT Center for Human Genetics Tuebingen
Classification: Likely benign. Last evaluated: 2025-11-01. Review status: criteria provided, single submitter. Criteria: CeGaT Center For Human Genetics Tuebingen Variant Classification Criteria Version 2. Collection method: clinical testing. Allele origin: germline. Affected: yes. Observed: 1 variant allele.
Comment: PTPN23: BP4, BP7